The following is an entry in ClinVar:

ClinVar aggregate classification (germline): Uncertain significance (1 of 4 stars; one submission).

Conditions:
BAP1-related tumor predisposition syndrome (TPDS1). Also called: BAP1 tumor predisposition syndrome; Tumor susceptibility linked to germline BAP1 mutations; COMMON Syndrome; TUMOR PREDISPOSITION SYNDROME 1. Identifiers: Orphanet 289539, MedGen C3280492, MONDO:0013692, OMIM 614327.

Submission:

Labcorp Genetics (formerly Invitae), Labcorp
Classification: Uncertain significance for BAP1-related tumor predisposition syndrome. Last evaluated: 2024-11-24. Review status: criteria provided, single submitter. Criteria: Invitae Variant Classification Sherloc (09022015). Collection method: clinical testing. Allele origin: germline.
Comment: This sequence change replaces lysine, which is basic and polar, with glutamic acid, which is acidic and polar, at codon 727 of the BAP1 protein (p.Lys727Glu). This variant is not present in population databases (gnomAD no frequency). This variant has not been reported in the literature in individuals affected with BAP1-related conditions. Invitae Evidence Modeling of protein sequence and biophysical properties (such as structural, functional, and spatial information, amino acid conservation, physicochemical variation, residue mobility, and thermodynamic stability) has been performed for this missense variant. However, the output from this modeling did not meet the statistical confidence thresholds required to predict the impact of this variant on BAP1 protein function. In summary, the available evidence is currently insufficient to determine the role of this variant in disease. Therefore, it has been classified as a Variant of Uncertain Significance.

NM_004656.4(BAP1):c.2179A>G (p.Lys727Glu)

Gene: BAP1 (BRCA1 associated deubiquitinase 1; minus strand). Cytogenetic location: 3p21.1.
Variant type: single nucleotide variant.
Coding change: c.2179A>G on transcript NM_004656.4 (MANE Select); coding-DNA position 2179, A replaced by G.
Protein change: p.Lys727Glu; replaces lysine 727 with glutamic acid.
Molecular consequence: missense variant.
Genome position (GRCh38, 1-based): chr3:52,402,299, T>C on the plus strand (A>G on the coding strand, the complement: BAP1 is on the minus strand). VCF-style: chr3-52402299-T-C. GRCh37 (hg19) VCF-style: chr3-52436315-T-C.
Other names: c.2125A>G, p.Lys709Glu (NM_001410772.1); short protein forms K709E, K727E.
Identifiers: ClinVar variation 3664642 (VCV003664642.2).